The following is an entry in ClinVar:

ClinVar aggregate classification (germline): Uncertain significance. Review status: criteria provided, multiple submitters, no conflicts (2 of 4 stars). 4 submissions from 4 submitters: Uncertain significance (4). Last evaluated 2024-11-11.

Conditions:
Combined immunodeficiency due to LRBA deficiency. Also called: Common variable immunodeficiency 8, with autoimmunity. Identifiers: Orphanet 445018, MedGen C3553512, MONDO:0013863, OMIM 614700.
Inborn genetic diseases. Identifiers: MedGen C0950123, MeSH D030342.

Allele frequency attached by ClinVar (database versions not stated): gnomAD 0.00001 and 0.00002; TOPMed 0.00006.
gnomAD v4.1: 20 of 1,611,694 alleles (0.0012%); highest among the groups gnomAD compares: Admixed American, 0.0033%; no homozygotes.

Submissions (4):

Ambry Genetics
Classification: Uncertain significance for Inborn genetic diseases. Last evaluated: 2024-11-11. Review status: criteria provided, single submitter. Criteria: Ambry Variant Classification Scheme 2023. Collection method: clinical testing. Allele origin: germline.

Labcorp Genetics (formerly Invitae), Labcorp
Classification: Uncertain significance for Combined immunodeficiency due to LRBA deficiency. Last evaluated: 2024-10-25. Review status: criteria provided, single submitter. Criteria: Invitae Variant Classification Sherloc (09022015). Collection method: clinical testing. Allele origin: germline.
Comment: This sequence change replaces arginine, which is basic and polar, with glutamine, which is neutral and polar, at codon 827 of the LRBA protein (p.Arg827Gln). This variant is not present in population databases (gnomAD no frequency). This variant has not been reported in the literature in individuals affected with LRBA-related conditions. ClinVar contains an entry for this variant (Variation ID: 663750). Invitae Evidence Modeling of protein sequence and biophysical properties (such as structural, functional, and spatial information, amino acid conservation, physicochemical variation, residue mobility, and thermodynamic stability) has been performed for this missense variant. However, the output from this modeling did not meet the statistical confidence thresholds required to predict the impact of this variant on LRBA protein function. Algorithms developed to predict the effect of sequence changes on RNA splicing suggest that this variant may disrupt the consensus splice site. In summary, the available evidence is currently insufficient to determine the role of this variant in disease. Therefore, it has been classified as a Variant of Uncertain Significance.

Blueprint Genetics
Classification: Uncertain significance. Last evaluated: 2022-04-01. Review status: criteria provided, single submitter. Criteria: ACMG Guidelines, 2015. Collection method: clinical testing. Allele origin: germline.

Kasturba Medical College, Manipal, Kasturba Medical College, Manipal, Manipal Academy of Higher Education, Manipal, India
Classification: Uncertain significance for Combined immunodeficiency due to LRBA deficiency. Review status: criteria provided, single submitter. Criteria: ACMG Guidelines, 2015. Collection method: clinical testing. Allele origin: inherited. Affected: yes.

NM_001364905.1(LRBA):c.2480G>A (p.Arg827Gln)

Gene: LRBA (LPS responsive beige-like anchor protein; minus strand). Cytogenetic location: 4q31.3.
Variant type: single nucleotide variant.
Coding change: c.2480G>A on transcript NM_001364905.1 (MANE Select); coding-DNA position 2480, G replaced by A.
Protein change: p.Arg827Gln; replaces arginine 827 with glutamine.
Molecular consequence: missense variant.
Genome position (GRCh38, 1-based): chr4:150,868,275, C>T on the plus strand (G>A on the coding strand, the complement: LRBA is on the minus strand). VCF-style: chr4-150868275-C-T. GRCh37 (hg19) VCF-style: chr4-151789427-C-T.
Other names: c.2480G>A, p.Arg827Gln (NM_001199282.3, NM_001367550.1, NM_006726.5); short protein forms R827Q.
Identifiers: ClinVar variation 663750 (VCV000663750.13), dbSNP rs201878879, ClinGen allele CA358465479.